The following is an entry in ClinVar:

ClinVar aggregate classification (germline): Uncertain significance. Review status: criteria provided, multiple submitters, no conflicts (2 of 4 stars). 5 submissions from 5 submitters: Uncertain significance (5). Last evaluated 2025-08-02.

Conditions:
Inborn genetic diseases. Identifiers: MedGen C0950123, MeSH D030342.
Combined immunodeficiency due to DOCK8 deficiency (HIES2). Also called: HIES autosomal recessive; Hyper-IgE recurrent infection syndrome, autosomal recessive; HYPER-IgE RECURRENT INFECTION SYNDROME 2, AUTOSOMAL RECESSIVE; HYPER-IgE SYNDROME 2, AUTOSOMAL RECESSIVE, WITH RECURRENT INFECTIONS; DOCK8 Deficiency. Identifiers: Orphanet 217390, MedGen C4722305, MONDO:0009478, OMIM 243700.

Allele frequency attached by ClinVar (database versions not stated): gnomAD 0.00004; ExAC 0.00007; TOPMed 0.00007; gnomAD exomes 0.00009 and 0.00016; ESP Exome Variant Server 0.00023.
gnomAD v4.1: 254 of 1,614,050 alleles (0.016%); highest among the groups gnomAD compares: Non-Finnish European, 0.019%; no homozygotes.

Submissions (5):

Ambry Genetics
Classification: Uncertain significance for Inborn genetic diseases. Last evaluated: 2025-08-02. Review status: criteria provided, single submitter. Criteria: Ambry Variant Classification Scheme 2023. Collection method: clinical testing. Allele origin: germline.

Blueprint Genetics
Classification: Uncertain significance. Last evaluated: 2024-01-31. Review status: criteria provided, single submitter. Criteria: ACMG Guidelines, 2015. Collection method: clinical testing. Allele origin: germline.

Labcorp Genetics (formerly Invitae), Labcorp
Classification: Uncertain significance for Combined immunodeficiency due to DOCK8 deficiency. Last evaluated: 2021-10-22. Review status: criteria provided, single submitter. Criteria: Invitae Variant Classification Sherloc (09022015). Collection method: clinical testing. Allele origin: germline.
Comment: This sequence change replaces isoleucine with methionine at codon 1865 of the DOCK8 protein (p.Ile1865Met). The isoleucine residue is highly conserved and there is a small physicochemical difference between isoleucine and methionine. This variant is present in population databases (rs151208894, ExAC 0.01%). This variant has not been reported in the literature in individuals affected with DOCK8-related conditions. ClinVar contains an entry for this variant (Variation ID: 450230). Algorithms developed to predict the effect of missense changes on protein structure and function are either unavailable or do not agree on the potential impact of this missense change (SIFT: "Deleterious"; PolyPhen-2: "Probably Damaging"; Align-GVGD: "Class C0"). In summary, the available evidence is currently insufficient to determine the role of this variant in disease. Therefore, it has been classified as a Variant of Uncertain Significance.

Illumina Laboratory Services, Illumina
Classification: Uncertain significance for Combined immunodeficiency due to DOCK8 deficiency. Last evaluated: 2018-01-13. Review status: criteria provided, single submitter. Criteria: ICSL Variant Classification Criteria 13 December 2019. Collection method: clinical testing. Allele origin: germline.

GeneDx
Classification: Uncertain significance. Last evaluated: 2017-06-29. Review status: criteria provided, single submitter. Criteria: GeneDx Variant Classification (06012015). Collection method: clinical testing. Allele origin: germline. Affected: yes.
Comment: The I1865M variant in the DOCK8 gene has not been reported previously as a pathogenic variant, nor as a benign variant, to our knowledge. This variant is observed in 8/66740 (0.011%) alleles from individuals of non-Finnish European background, in the ExAC dataset(Lek et al., 2016). The I1865M variant is a conservative amino acid substitution, which is not likely to impact secondary protein structure as these residues share similar properties. This substitution occurs at a position that is conserved across species, and in silico analysis predicts this variant is probably damaging to the protein structure/function. Based on currently available evidence, we interpret I1865M as a variant of uncertain significance.

NM_203447.4(DOCK8):c.5595C>G (p.Ile1865Met)

Gene: DOCK8 (dedicator of cytokinesis 8; plus strand). Cytogenetic location: 9p24.3.
Variant type: single nucleotide variant.
Coding change: c.5595C>G on transcript NM_203447.4 (MANE Select); coding-DNA position 5595, C replaced by G.
Protein change: p.Ile1865Met; replaces isoleucine 1865 with methionine.
Molecular consequence: missense variant.
Genome position (GRCh38, 1-based): chr9:446,384, C>G. VCF-style: chr9-446384-C-G. GRCh37 (hg19) VCF-style: chr9-446384-C-G.
Other names: c.5295C>G, p.Ile1765Met (NM_001190458.2); c.5391C>G, p.Ile1797Met (NM_001193536.2); short protein forms I1865M, I1797M, I1765M.
Identifiers: ClinVar variation 450230 (VCV000450230.13), dbSNP rs151208894, ClinGen allele CA4959492.